The following is an entry in ClinVar:

NM_001378457.1(DMXL2):c.1346-15T>G

Gene: DMXL2 (Dmx like 2; minus strand). Cytogenetic location: 15q21.2.
Variant type: single nucleotide variant.
Coding change: c.1346-15T>G on transcript NM_001378457.1 (MANE Select); 15 bases into the intron before coding-DNA position 1346, T replaced by G.
Molecular consequence: intron variant.
Genome position (GRCh38, 1-based): chr15:51,537,774, A>C on the plus strand (T>G on the coding strand, the complement: DMXL2 is on the minus strand). VCF-style: chr15-51537774-A-C. GRCh37 (hg19) VCF-style: chr15-51829971-A-C.
Other names: c.1346-15T>G (NM_001378463.1, NM_001378461.1, NM_001378460.1 and 6 more transcripts); c.1106-15T>G (NM_001378464.1).
Identifiers: ClinVar variation 1917209 (VCV001917209.2), dbSNP rs972403296, ClinGen allele CA270608819.

ClinVar aggregate classification (germline): Uncertain significance (1 of 4 stars; one submission).

gnomAD v4.1: 18 of 1,604,594 alleles (0.0011%); highest among the groups gnomAD compares: Non-Finnish European, 0.0014%; no homozygotes.

Submission:

Labcorp Genetics (formerly Invitae), Labcorp
Classification: Uncertain significance. Last evaluated: 2022-06-15. Review status: criteria provided, single submitter. Criteria: Invitae Variant Classification Sherloc (09022015). Collection method: clinical testing. Allele origin: germline.
Comment: This sequence change falls in intron 10 of the DMXL2 gene. It does not directly change the encoded amino acid sequence of the DMXL2 protein. This variant is not present in population databases (gnomAD no frequency). This variant has not been reported in the literature in individuals affected with DMXL2-related conditions. Algorithms developed to predict the effect of sequence changes on RNA splicing suggest that this variant may create or strengthen a splice site. In summary, the available evidence is currently insufficient to determine the role of this variant in disease. Therefore, it has been classified as a Variant of Uncertain Significance.